The following is an entry in ClinVar:

NM_005857.5(ZMPSTE24):c.1059+61G>A

Gene: ZMPSTE24 (zinc metallopeptidase STE24; plus strand). Cytogenetic location: 1p34.2.
Variant type: single nucleotide variant.
Coding change: c.1059+61G>A on transcript NM_005857.5 (MANE Select); 61 bases into the intron after coding-DNA position 1059, G replaced by A.
Molecular consequence: intron variant.
Genome position (GRCh38, 1-based): chr1:40,286,090, G>A. VCF-style: chr1-40286090-G-A. GRCh37 (hg19) VCF-style: chr1-40751762-G-A.
Other names: c.1059+61G>A (LRG_212t1).
Identifiers: ClinVar variation 140511 (VCV000140511.1), dbSNP rs188058932, ClinGen allele CA232722.

ClinVar aggregate classification (germline): not provided (0 of 4 stars; one submission).

Allele frequency attached by ClinVar (database versions not stated): 1000 Genomes Project 30x 0.00094; 1000 Genomes Project 0.00120; TOPMed 0.00156; gnomAD 0.00159 and 0.00163.

Submission:

ZMPSTE24 homepage - Leiden Muscular Dystrophy pages
No classification provided. Review status: no classification provided. Collection method: not provided. Allele origin: germline.
Comment: no known functional consequence